The following is an entry in ClinVar:

ClinVar aggregate classification (germline): Uncertain significance (1 of 4 stars; one submission).

Conditions:
Ehlers-Danlos syndrome, classic type, 1 (EDSCL1). Also called: EHLERS-DANLOS SYNDROME, GRAVIS TYPE; EHLERS-DANLOS SYNDROME, SEVERE CLASSIC TYPE; Ehlers-Danlos syndrome, type 1; Ehlers-Danlos Syndrome, Classic Type, COL5A1-Related; EDS I. Identifiers: MedGen C0268335, MONDO:0019567, OMIM 130000.

gnomAD v4.1: 3 of 1,614,042 alleles (0.00019%); highest among the groups gnomAD compares: Non-Finnish European, 0.00025%; no homozygotes.

Submission:

Labcorp Genetics (formerly Invitae), Labcorp
Classification: Uncertain significance for Ehlers-Danlos syndrome, classic type, 1. Last evaluated: 2025-12-15. Review status: criteria provided, single submitter. Criteria: Invitae Variant Classification Sherloc (09022015). Collection method: clinical testing. Allele origin: germline.
Comment: This sequence change replaces glycine, which is neutral and non-polar, with tryptophan, which is neutral and slightly polar, at codon 951 of the COL5A2 protein (p.Gly951Trp). This variant is present in population databases (no rsID available, gnomAD 0.0009%). This variant has not been reported in the literature in individuals affected with COL5A2-related conditions. Invitae Evidence Modeling of protein sequence and biophysical properties (such as structural, functional, and spatial information, amino acid conservation, physicochemical variation, residue mobility, and thermodynamic stability) indicates that this missense variant is expected to disrupt COL5A2 protein function with a positive predictive value of 80%. In summary, the available evidence is currently insufficient to determine the role of this variant in disease. Therefore, it has been classified as a Variant of Uncertain Significance.

NM_000393.5(COL5A2):c.2851G>T (p.Gly951Trp)

Gene: COL5A2 (collagen type V alpha 2 chain; minus strand). Cytogenetic location: 2q32.2.
Variant type: single nucleotide variant.
Coding change: c.2851G>T on transcript NM_000393.5 (MANE Select); coding-DNA position 2851, G replaced by T.
Protein change: p.Gly951Trp; replaces glycine 951 with tryptophan.
Molecular consequence: missense variant.
Genome position (GRCh38, 1-based): chr2:189,051,400, C>A on the plus strand (G>T on the coding strand, the complement: COL5A2 is on the minus strand). VCF-style: chr2-189051400-C-A. GRCh37 (hg19) VCF-style: chr2-189916126-C-A.
Other names: short protein forms G951W.
Identifiers: ClinVar variation 4748448 (VCV004748448.1).
Genomic context (GRCh38, chr2:189,051,400, plus strand): 5'-GGTCCCCTTTGTCTCCTGGGCCACCAGGGGGGCCAGCTGGTCCTCGATCTCCCACACGCC[C>A]ATGAGAGCCAGGGTCCCCACGAAGACCTGGAGGTCCCTCCTTCCCGGGTTCCCCTAGGGG-3'
Protein context (NP_000384.2, residues 941-961): PGLRGDPGSH[Gly951Trp]RVGDRGPAGP